The following is an entry in ClinVar:

NM_002585.4(PBX1):c.92G>T (p.Gly31Val)

Gene: PBX1 (PBX homeobox 1; plus strand). Cytogenetic location: 1q23.3.
Variant type: single nucleotide variant.
Coding change: c.92G>T on transcript NM_002585.4 (MANE Select); coding-DNA position 92, G replaced by T.
Protein change: p.Gly31Val; replaces glycine 31 with valine.
Molecular consequence: missense variant. On other transcripts: 5 prime UTR variant (1).
Genome position (GRCh38, 1-based): chr1:164,559,914, G>T. VCF-style: chr1-164559914-G-T. GRCh37 (hg19) VCF-style: chr1-164529151-G-T.
Other names: c.92G>T, p.Gly31Val (NM_001204961.2, NM_001204963.2, NM_001353131.2); c.-84G>T (NM_001353130.1); c.92G>T (NM_002585.3); short protein forms G31V.
Identifiers: ClinVar variation 1048952 (VCV001048952.8), dbSNP rs192264696, ClinGen allele CA1219294.

ClinVar aggregate classification (germline): Likely benign. Review status: criteria provided, multiple submitters, no conflicts (2 of 4 stars). 4 submissions from 4 submitters: Likely benign (3). 1 of the submissions does not count toward it. Last evaluated 2026-03-17.

Conditions:
PBX1-related disorder. Also called: PBX1-related condition.

Allele frequency attached by ClinVar (database versions not stated): gnomAD exomes 0.00004 and 0.00006; ExAC 0.00017; gnomAD 0.00052; 1000 Genomes Project 0.00060; ESP Exome Variant Server 0.00065; TOPMed 0.00069; 1000 Genomes Project 30x 0.00094.
gnomAD v4.1: 152 of 1,548,288 alleles (0.0098%); highest among the groups gnomAD compares: African/African-American, 0.17%; no homozygotes.

Submissions (4):

Women's Health and Genetics/Laboratory Corporation of America, LabCorp
Classification: Likely benign. Last evaluated: 2026-03-17. Review status: criteria provided, single submitter. Criteria: LabCorp Variant Classification Summary - May 2015. Collection method: clinical testing. Allele origin: germline.
Comment: Variant summary: PBX1 c.92G>T (p.Gly31Val) results in a non-conservative amino acid change in the encoded protein sequence. Algorithms developed to predict the effect of missense changes on protein structure and function are either unavailable or do not agree on the potential impact of this missense change. The variant allele was found at a frequency of 5.9e-05 in 152476 control chromosomes (gnomAD). The occurrence in multiple unaffected controls suggests this is a benign polymorphism. To our knowledge, no occurrence of c.92G>T in individuals affected with PBX1-related conditions and no experimental evidence demonstrating its impact on protein function have been reported. ClinVar contains an entry for this variant (Variation ID: 1048952). Based on the evidence outlined above, the variant was classified as likely benign.

Labcorp Genetics (formerly Invitae), Labcorp
Classification: Likely benign. Last evaluated: 2025-07-27. Review status: criteria provided, single submitter. Criteria: Invitae Variant Classification Sherloc (09022015). Collection method: clinical testing. Allele origin: germline.

PreventionGenetics, part of Exact Sciences
Classification: Likely benign for PBX1-related condition. Last evaluated: 2025-03-01. Review status: criteria provided, single submitter. Criteria: ACMG Guidelines, 2015. Collection method: clinical testing. Allele origin: germline.
Comment: This variant is classified as likely benign based on ACMG/AMP sequence variant interpretation guidelines (Richards et al. 2015 PMID: 25741868, with internal and published modifications).

Department of Pathology and Laboratory Medicine, Sinai Health System
Classification: Uncertain significance. Review status: no assertion criteria provided. Collection method: clinical testing. Allele origin: unknown. Affected: yes. Study: The Canadian Open Genetics Repository (COGR). Not counted in ClinVar's aggregate classification.
Comment: The PBX1 p.Gly31Val variant was not identified in the literature nor was it identified in ClinVar, Cosmic or LOVD 3.0. The variant was identified in dbSNP (ID: rs192264696) and was also found in control databases in 26 of 183832 chromosomes at a frequency of 0.000141 (Genome Aggregation Database Feb 27, 2017). The variant was observed in the following populations: African in 23 of 16644 chromosomes (freq: 0.001382), Other in 1 of 5326 chromosomes (freq: 0.000188), Latino in 1 of 25216 chromosomes (freq: 0.00004) and European (non-Finnish) in 1 of 74156 chromosomes (freq: 0.000013), while the variant was not observed in the Ashkenazi Jewish, East Asian, European (Finnish), and South Asian populations. The variant occurs outside of the splicing consensus sequence and in silico or computational prediction software programs (SpliceSiteFinder, MaxEntScan, NNSPLICE, GeneSplicer) do not predict a difference in splicing. The p.Gly31 residue is conserved in mammals and computational analyses (PolyPhen-2, SIFT, AlignGVGD, BLOSUM, MutationTaster) provide inconsistent predictions regarding the impact to the protein; this information is not very predictive of pathogenicity. In summary, based on the above information the clinical significance of this variant cannot be determined with certainty at this time. This variant is classified as a variant of uncertain significance.